The following is an entry in ClinVar:

NM_006306.4(SMC1A):c.3604G>A (p.Gly1202Arg)

Gene: SMC1A (structural maintenance of chromosomes 1A; minus strand). Cytogenetic location: Xp11.22.
Variant type: single nucleotide variant.
Coding change: c.3604G>A on transcript NM_006306.4 (MANE Select); coding-DNA position 3604, G replaced by A.
Protein change: p.Gly1202Arg; replaces glycine 1202 with arginine.
Molecular consequence: missense variant.
Genome position (GRCh38, 1-based): chrX:53,380,634, C>T on the plus strand (G>A on the coding strand, the complement: SMC1A is on the minus strand). VCF-style: chrX-53380634-C-T. GRCh37 (hg19) VCF-style: chrX-53407555-C-T.
Other names: c.3538G>A, p.Gly1180Arg (NM_001281463.1); short protein forms G1202R, G1180R.
Identifiers: ClinVar variation 4746377 (VCV004746377.1).

ClinVar aggregate classification (germline): Uncertain significance (1 of 4 stars; one submission).

Conditions:
Congenital muscular hypertrophy-cerebral syndrome (CDLS2). Also called: SMC1A-Related Cornelia de Lange Syndrome; Cornelia de Lange syndrome 2. Identifiers: Orphanet 199, MedGen C1802395, MONDO:0010370, OMIM 300590.

Submission:

Labcorp Genetics (formerly Invitae), Labcorp
Classification: Uncertain significance for Congenital muscular hypertrophy-cerebral syndrome. Last evaluated: 2025-12-03. Review status: criteria provided, single submitter. Criteria: Invitae Variant Classification Sherloc (09022015). Collection method: clinical testing. Allele origin: germline.
Comment: This sequence change replaces glycine, which is neutral and non-polar, with arginine, which is basic and polar, at codon 1202 of the SMC1A protein (p.Gly1202Arg). This variant is not present in population databases (gnomAD no frequency). This variant has not been reported in the literature in individuals affected with SMC1A-related conditions. Invitae Evidence Modeling of protein sequence and biophysical properties (such as structural, functional, and spatial information, amino acid conservation, physicochemical variation, residue mobility, and thermodynamic stability) indicates that this missense variant is expected to disrupt SMC1A protein function with a positive predictive value of 80%. In summary, the available evidence is currently insufficient to determine the role of this variant in disease. Therefore, it has been classified as a Variant of Uncertain Significance.